The following is an entry in ClinVar:

NM_001540.5(HSPB1):c.80G>A (p.Arg27His)

Gene: HSPB1 (heat shock protein family B (small) member 1; plus strand). Cytogenetic location: 7q11.23.
Variant type: single nucleotide variant.
Coding change: c.80G>A on transcript NM_001540.5 (MANE Select); coding-DNA position 80, G replaced by A.
Protein change: p.Arg27His; replaces arginine 27 with histidine.
Molecular consequence: missense variant.
Genome position (GRCh38, 1-based): chr7:76,302,792, G>A. VCF-style: chr7-76302792-G-A. GRCh37 (hg19) VCF-style: chr7-75932109-G-A.
Other names: short protein forms R27H.
Identifiers: ClinVar variation 2142404 (VCV002142404.7), dbSNP rs367662394, ClinGen allele CA4306248.
Genomic context (GRCh38, chr7:76,302,792, plus strand): 5'-CCTTCTCGCTCCTGCGGGGCCCCAGCTGGGACCCCTTCCGCGACTGGTACCCGCATAGCC[G>A]CCTCTTCGACCAGGCCTTCGGGCTGCCCCGGCTGCCGGAGGAGTGGTCGCAGTGGTTAGG-3'
Protein context (NP_001531.1, residues 17-37): DPFRDWYPHS[Arg27His]LFDQAFGLPR

ClinVar aggregate classification (germline): Uncertain significance. Review status: criteria provided, multiple submitters, no conflicts (2 of 4 stars). 4 submissions from 4 submitters: Uncertain significance (4). Last evaluated 2026-01-13.

Conditions:
HSPB1-related disorder. Also called: HSPB1-related condition; HSPB1-related disorders.
Charcot-Marie-Tooth disease axonal type 2F (CMT2F). Also called: CHARCOT-MARIE-TOOTH DISEASE, NEURONAL, TYPE 2F; Charcot-Marie-Tooth Neuropathy Type 2F. Identifiers: Orphanet 99940, MedGen C1847823, MONDO:0011687, OMIM 606595.

Allele frequency attached by ClinVar (database versions not stated): 1000 Genomes Project 30x 0.00016.

Submissions (4):

PreventionGenetics, part of Exact Sciences
Classification: Uncertain significance for HSPB1-related condition. Last evaluated: 2026-01-13. Review status: criteria provided, single submitter. Criteria: ACMG Guidelines, 2015. Collection method: clinical testing. Allele origin: germline.
Comment: The HSPB1 c.80G>A variant is predicted to result in the amino acid substitution p.Arg27His. To our knowledge, this variant has not been reported in the literature. This variant is reported in 0.0073% of alleles in individuals of African descent in gnomAD. At this time, the clinical significance of this variant is uncertain due to the absence of conclusive functional and genetic evidence.

GeneDx
Classification: Uncertain significance. Last evaluated: 2025-03-27. Review status: criteria provided, single submitter. Criteria: GeneDx Variant Classification Process June 2021. Collection method: clinical testing. Allele origin: germline. Affected: yes.
Comment: In silico analysis supports that this missense variant has a deleterious effect on protein structure/function; Has not been previously published as pathogenic or benign to our knowledge

Women's Health and Genetics/Laboratory Corporation of America, LabCorp
Classification: Uncertain significance. Last evaluated: 2024-11-20. Review status: criteria provided, single submitter. Criteria: LabCorp Variant Classification Summary - May 2015. Collection method: clinical testing. Allele origin: germline.
Comment: Variant summary: HSPB1 c.80G>A (p.Arg27His) results in a non-conservative amino acid change in the encoded protein sequence. Four of five in-silico tools predict a damaging effect of the variant on protein function. The variant allele was found at a frequency of 1.3e-05 in 235340 control chromosomes. The available data on variant occurrences in the general population are insufficient to allow any conclusion about variant significance. To our knowledge, no occurrence of c.80G>A in individuals affected with Charcot-Marie-Tooth disease axonal type 2F and no experimental evidence demonstrating its impact on protein function have been reported. ClinVar contains an entry for this variant (Variation ID: 2142404). Based on the evidence outlined above, the variant was classified as uncertain significance.

Labcorp Genetics (formerly Invitae), Labcorp
Classification: Uncertain significance for Charcot-Marie-Tooth disease axonal type 2F. Last evaluated: 2022-04-04. Review status: criteria provided, single submitter. Criteria: Invitae Variant Classification Sherloc (09022015). Collection method: clinical testing. Allele origin: germline.
Comment: In summary, the available evidence is currently insufficient to determine the role of this variant in disease. Therefore, it has been classified as a Variant of Uncertain Significance. Advanced modeling of protein sequence and biophysical properties (such as structural, functional, and spatial information, amino acid conservation, physicochemical variation, residue mobility, and thermodynamic stability) performed at Invitae indicates that this missense variant is not expected to disrupt HSPB1 protein function. This variant has not been reported in the literature in individuals affected with HSPB1-related conditions. The frequency data for this variant in the population databases is considered unreliable, as metrics indicate poor data quality at this position in the gnomAD database. This sequence change replaces arginine, which is basic and polar, with histidine, which is basic and polar, at codon 27 of the HSPB1 protein (p.Arg27His).